The following is an entry in ClinVar:

NM_000324.3(RHAG):c.1215C>T (p.Val405=)

Gene: RHAG (Rh associated glycoprotein; minus strand). Cytogenetic location: 6p12.3.
Variant type: single nucleotide variant.
Coding change: c.1215C>T on transcript NM_000324.3 (MANE Select); coding-DNA position 1215, C replaced by T.
Protein change: p.Val405=; no amino-acid change (valine 405 retained).
Molecular consequence: synonymous variant.
Genome position (GRCh38, 1-based): chr6:49,605,828, G>A on the plus strand (C>T on the coding strand, the complement: RHAG is on the minus strand). VCF-style: chr6-49605828-G-A. GRCh37 (hg19) VCF-style: chr6-49573541-G-A.
Other names: p.Val405=.
Identifiers: ClinVar variation 4683188 (VCV004683188.1).

ClinVar aggregate classification (germline): Likely benign (1 of 4 stars; one submission).

Submission:

Mayo Clinic Laboratories, Mayo Clinic
Classification: Likely benign. Last evaluated: 2024-12-24. Review status: criteria provided, single submitter. Criteria: ACMG Guidelines, 2015. Collection method: clinical testing. Allele origin: germline. Observed: 1 variant allele.
Comment: BP4, BP7, PM2_supporting